The following is an entry in ClinVar:

NM_001128228.3(TPRN):c.311C>T (p.Pro104Leu)

Genes: TPRN (taperin; minus strand), LOC130003092 (ATAC-STARR-seq lymphoblastoid silent region 20589; plus strand). Cytogenetic location: 9q34.3.
Variant type: single nucleotide variant.
Coding change: c.311C>T on transcript NM_001128228.3 (MANE Select); coding-DNA position 311, C replaced by T.
Protein change: p.Pro104Leu; replaces proline 104 with leucine.
Molecular consequence: missense variant.
Genome position (GRCh38, 1-based): chr9:137,200,401, G>A on the plus strand (C>T on the coding strand, the complement: TPRN is on the minus strand). VCF-style: chr9-137200401-G-A. GRCh37 (hg19) VCF-style: chr9-140094853-G-A.
Other names: short protein forms P104L.
Identifiers: ClinVar variation 3900353 (VCV003900353.1).

ClinVar aggregate classification (germline): Uncertain significance (1 of 4 stars; one submission).

gnomAD v4.1: 3 of 1,115,536 alleles (0.00027%); highest among the groups gnomAD compares: Non-Finnish European, 0.00033%; no homozygotes.

Submission:

GeneDx
Classification: Uncertain significance. Last evaluated: 2024-11-25. Review status: criteria provided, single submitter. Criteria: GeneDx Variant Classification Process June 2021. Collection method: clinical testing. Allele origin: germline. Affected: yes.
Comment: Not observed at significant frequency in large population cohorts (gnomAD); In silico analysis indicates that this missense variant does not alter protein structure/function; Has not been previously published as pathogenic or benign to our knowledge